The following is an entry in ClinVar:

ClinVar aggregate classification (germline): Uncertain significance (1 of 4 stars; one submission).

Conditions:
Familial thoracic aortic aneurysm and aortic dissection (TAAD). Also called: Thoracic aortic aneurysms and dissections. Identifiers: Orphanet 91387, MedGen C4707243, MONDO:0019625.

Submission:

Ambry Genetics
Classification: Uncertain significance for Familial thoracic aortic aneurysm and aortic dissection. Last evaluated: 2024-02-26. Review status: criteria provided, single submitter. Criteria: Ambry Variant Classification Scheme 2023. Collection method: clinical testing. Allele origin: germline.
Comment: The p.L351F variant (also known as c.1051C>T), located in coding exon 6 of the TGFB3 gene, results from a C to T substitution at nucleotide position 1051. The leucine at codon 351 is replaced by phenylalanine, an amino acid with highly similar properties. This amino acid position is conserved. In addition, the in silico prediction for this alteration is inconclusive. Based on the available evidence, the clinical significance of this alteration remains unclear.

NM_003239.5(TGFB3):c.1051C>T (p.Leu351Phe)

Gene: TGFB3 (transforming growth factor beta 3; minus strand). Cytogenetic location: 14q24.3.
Variant type: single nucleotide variant.
Coding change: c.1051C>T on transcript NM_003239.5 (MANE Select); coding-DNA position 1051, C replaced by T.
Protein change: p.Leu351Phe; replaces leucine 351 with phenylalanine.
Molecular consequence: missense variant.
Genome position (GRCh38, 1-based): chr14:75,960,952, G>A on the plus strand (C>T on the coding strand, the complement: TGFB3 is on the minus strand). VCF-style: chr14-75960952-G-A. GRCh37 (hg19) VCF-style: chr14-76427295-G-A.
Other names: c.1051C>T, p.Leu351Phe (NM_001329939.2); short protein forms L351F.
Identifiers: ClinVar variation 3223148 (VCV003223148.1), dbSNP rs2504096104, ClinGen allele CA390467669.